The following is an entry in ClinVar:

NM_000051.4(ATM):c.3803T>G (p.Val1268Gly)

Gene: ATM (ATM serine/threonine kinase; plus strand). Cytogenetic location: 11q22.3.
Variant type: single nucleotide variant.
Coding change: c.3803T>G on transcript NM_000051.4 (MANE Select); coding-DNA position 3803, T replaced by G.
Protein change: p.Val1268Gly; replaces valine 1268 with glycine.
Molecular consequence: missense variant.
Genome position (GRCh38, 1-based): chr11:108,284,283, T>G. VCF-style: chr11-108284283-T-G. GRCh37 (hg19) VCF-style: chr11-108155010-T-G.
Other names: c.3803T>G, p.Val1268Gly (NM_001351834.2); short protein forms V1268G.
Identifiers: ClinVar variation 3720450 (VCV003720450.3).

ClinVar aggregate classification (germline): Uncertain significance. Review status: criteria provided, multiple submitters, no conflicts (2 of 4 stars). 2 submissions from 2 submitters: Uncertain significance (2). Last evaluated 2025-07-31.

Conditions:
Ataxia-telangiectasia syndrome (AT). Also called: ATAXIA-TELANGIECTASIA, COMPLEMENTATION GROUP A; ATAXIA-TELANGIECTASIA, FRESNO VARIANT; Ataxia-telangiectasia; Ataxia-telangiectasia, complementation group E; Ataxia telangiectasia (A-T); LOUIS-BAR SYNDROME. Identifiers: Orphanet 100, MedGen C0004135, MONDO:0008840, OMIM 208900.
Hereditary cancer-predisposing syndrome. Also called: Neoplastic Syndromes, Hereditary; Hereditary Cancer Syndrome; Hereditary neoplastic syndrome; Tumor predisposition. Identifiers: Orphanet 140162, MedGen C0027672, MeSH D009386, MONDO:0015356.

gnomAD v4.1: 2 of 1,613,444 alleles (0.00012%); highest among the groups gnomAD compares: Non-Finnish European, 0.000085%; no homozygotes.

Submissions (2):

Labcorp Genetics (formerly Invitae), Labcorp
Classification: Uncertain significance for Ataxia-telangiectasia syndrome. Last evaluated: 2025-07-31. Review status: criteria provided, single submitter. Criteria: Invitae Variant Classification Sherloc (09022015). Collection method: clinical testing. Allele origin: germline.
Comment: This sequence change replaces valine, which is neutral and non-polar, with glycine, which is neutral and non-polar, at codon 1268 of the ATM protein (p.Val1268Gly). This variant is present in population databases (no rsID available, gnomAD no frequency). This variant has not been reported in the literature in individuals affected with ATM-related conditions. ClinVar contains an entry for this variant (Variation ID: 3720450). Invitae Evidence Modeling of protein sequence and biophysical properties (such as structural, functional, and spatial information, amino acid conservation, physicochemical variation, residue mobility, and thermodynamic stability) has been performed for this missense variant. However, the output from this modeling did not meet the statistical confidence thresholds required to predict the impact of this variant on ATM protein function. In summary, the available evidence is currently insufficient to determine the role of this variant in disease. Therefore, it has been classified as a Variant of Uncertain Significance.

Ambry Genetics
Classification: Uncertain significance for Hereditary cancer-predisposing syndrome. Last evaluated: 2025-02-03. Review status: criteria provided, single submitter. Criteria: Ambry Variant Classification Scheme 2023. Collection method: clinical testing. Allele origin: germline.
Comment: The p.V1268G variant (also known as c.3803T>G), located in coding exon 25 of the ATM gene, results from a T to G substitution at nucleotide position 3803. The valine at codon 1268 is replaced by glycine, an amino acid with dissimilar properties. This amino acid position is conserved. In addition, this alteration is predicted to be deleterious by in silico analysis. Based on the available evidence, the clinical significance of this variant remains unclear.